The following is an entry in ClinVar:

ClinVar aggregate classification (germline): Likely benign. Review status: criteria provided, multiple submitters, no conflicts (2 of 4 stars). 3 submissions from 3 submitters: Likely benign (3). Last evaluated 2025-11-26.

Conditions:
Inborn genetic diseases. Identifiers: MedGen C0950123, MeSH D030342.

Allele frequency attached by ClinVar (database versions not stated): gnomAD 0.00001; ExAC 0.00006.
gnomAD v4.1: 27 of 1,612,792 alleles (0.0017%); highest among the groups gnomAD compares: Non-Finnish European, 0.00093%; no homozygotes.

Submissions (3):

Ambry Genetics
Classification: Likely benign for Inborn genetic diseases. Last evaluated: 2025-11-26. Review status: criteria provided, single submitter. Criteria: Ambry Variant Classification Scheme 2023. Collection method: clinical testing. Allele origin: germline.

Labcorp Genetics (formerly Invitae), Labcorp
Classification: Likely benign. Last evaluated: 2025-08-18. Review status: criteria provided, single submitter. Criteria: Invitae Variant Classification Sherloc (09022015). Collection method: clinical testing. Allele origin: germline.

CeGaT Center for Human Genetics Tuebingen
Classification: Likely benign. Last evaluated: 2024-01-01. Review status: criteria provided, single submitter. Criteria: CeGaT Center For Human Genetics Tuebingen Variant Classification Criteria Version 2. Collection method: clinical testing. Allele origin: germline. Affected: yes. Observed: 1 variant allele.
Comment: SETBP1: BP4

NM_015559.3(SETBP1):c.110C>T (p.Pro37Leu)

Gene: SETBP1 (SET binding protein 1; plus strand). Cytogenetic location: 18q12.3.
Variant type: single nucleotide variant.
Coding change: c.110C>T on transcript NM_015559.3 (MANE Select); coding-DNA position 110, C replaced by T.
Protein change: p.Pro37Leu; replaces proline 37 with leucine.
Molecular consequence: missense variant.
Genome position (GRCh38, 1-based): chr18:44,701,456, C>T. VCF-style: chr18-44701456-C-T. GRCh37 (hg19) VCF-style: chr18-42281421-C-T.
Other names: c.110C>T, p.Pro37Leu (NM_001130110.2, NM_001379141.1, NM_001379142.1); c.110C>T (NM_015559.2); short protein forms P37L.
Identifiers: ClinVar variation 1359273 (VCV001359273.28), dbSNP rs747388683, ClinGen allele CA8945331.